The following is an entry in ClinVar:

NM_001276270.2(MBD4):c.703G>T (p.Val235Leu)

Gene: MBD4 (methyl-CpG binding domain 4, DNA glycosylase; minus strand). Cytogenetic location: 3q21.3.
Variant type: single nucleotide variant.
Coding change: c.703G>T on transcript NM_001276270.2 (MANE Select); coding-DNA position 703, G replaced by T.
Protein change: p.Val235Leu; replaces valine 235 with leucine.
Molecular consequence: missense variant. On other transcripts: intron variant (1).
Genome position (GRCh38, 1-based): chr3:129,436,941, C>A on the plus strand (G>T on the coding strand, the complement: MBD4 is on the minus strand). VCF-style: chr3-129436941-C-A. GRCh37 (hg19) VCF-style: chr3-129155784-C-A.
Other names: c.247+867G>T (NM_001276273.2); c.703G>T, p.Val235Leu (NM_001276271.2, NM_001276272.2, NM_003925.3); short protein forms V235L.
Identifiers: ClinVar variation 3700117 (VCV003700117.3).

ClinVar aggregate classification (germline): Uncertain significance. Review status: criteria provided, multiple submitters, no conflicts (2 of 4 stars). 2 submissions from 2 submitters: Uncertain significance (2). Last evaluated 2025-12-17.

Conditions:
Inborn genetic diseases. Identifiers: MedGen C0950123, MeSH D030342.

Submissions (2):

Labcorp Genetics (formerly Invitae), Labcorp
Classification: Uncertain significance. Last evaluated: 2025-12-17. Review status: criteria provided, single submitter. Criteria: Invitae Variant Classification Sherloc (09022015). Collection method: clinical testing. Allele origin: germline.
Comment: This sequence change replaces valine, which is neutral and non-polar, with leucine, which is neutral and non-polar, at codon 235 of the MBD4 protein (p.Val235Leu). This variant is not present in population databases (gnomAD no frequency). This variant has not been reported in the literature in individuals affected with MBD4-related conditions. ClinVar contains an entry for this variant (Variation ID: 3700117). An algorithm developed to predict the effect of missense changes on protein structure and function (PolyPhen-2) suggests that this variant is likely to be tolerated. In summary, the available evidence is currently insufficient to determine the role of this variant in disease. Therefore, it has been classified as a Variant of Uncertain Significance.

Ambry Genetics
Classification: Uncertain significance for Inborn genetic diseases. Last evaluated: 2025-01-02. Review status: criteria provided, single submitter. Criteria: Ambry Variant Classification Scheme 2023. Collection method: clinical testing. Allele origin: germline.
Comment: The p.V235L variant (also known as c.703G>T), located in coding exon 3 of the MBD4 gene, results from a G to T substitution at nucleotide position 703. The valine at codon 235 is replaced by leucine, an amino acid with highly similar properties. This amino acid position is not well conserved in available vertebrate species. In addition, this alteration is predicted to be tolerated by in silico analysis. Based on the available evidence, the clinical significance of this variant remains unclear.